The following is an entry in ClinVar:

NM_000038.6(APC):c.5559T>G (p.Pro1853=)

Gene: APC (APC regulator of Wnt signaling pathway; plus strand). Cytogenetic location: 5q22.2.
Variant type: single nucleotide variant.
Coding change: c.5559T>G on transcript NM_000038.6 (MANE Select); coding-DNA position 5559, T replaced by G.
Protein change: p.Pro1853=; no amino-acid change (proline 1853 retained).
Molecular consequence: synonymous variant.
Genome position (GRCh38, 1-based): chr5:112,841,153, T>G. VCF-style: chr5-112841153-T-G. GRCh37 (hg19) VCF-style: chr5-112176850-T-G.
Other names: c.5559T>G, p.Pro1853= (NM_001127510.3, NM_001354895.2); c.5505T>G, p.Pro1835= (NM_001127511.3); c.5613T>G, p.Pro1871= (NM_001354896.2); c.5589T>G, p.Pro1863= (NM_001354897.2); c.5484T>G, p.Pro1828= (NM_001354898.2); c.5475T>G, p.Pro1825= (NM_001354899.2); c.5436T>G, p.Pro1812= (NM_001354900.2); c.5382T>G, p.Pro1794= (NM_001354901.2); and 5 more.
Identifiers: ClinVar variation 1641891 (VCV001641891.11), dbSNP rs1407859071, ClinGen allele CA446208935.
Genomic context (GRCh38, chr5:112,841,153, plus strand): 5'-AGTCAGAGGAAGTTTTGCTTTTGATTCACCTCATCATTACACGCCTATTGAAGGAACTCC[T>G]TACTGTTTTTCACGAAATGATTCTTTGAGTTCTCTAGATTTTGATGATGATGATGTTGAC-3'
Protein context (NP_000029.2, residues 1843-1863): PHHYTPIEGT[Pro1853=]YCFSRNDSLS

ClinVar aggregate classification (germline): Benign/Likely benign. Review status: criteria provided, multiple submitters, no conflicts (2 of 4 stars). 3 submissions from 3 submitters: Benign (1); Likely benign (2). Last evaluated 2025-01-07.

Conditions:
Hereditary cancer-predisposing syndrome. Also called: Hereditary Cancer Syndrome; Neoplastic Syndromes, Hereditary; Tumor predisposition; Hereditary neoplastic syndrome. Identifiers: Orphanet 140162, MedGen C0027672, MeSH D009386, MONDO:0015356.
Familial adenomatous polyposis 1 (FAP1). Also called: FAMILIAL ADENOMATOUS POLYPOSIS 1, ATTENUATED; POLYPOSIS, ADENOMATOUS INTESTINAL. Identifiers: MedGen C2713442, MONDO:0021056, OMIM 175100. Disease mechanism: loss of function.

Allele frequency attached by ClinVar (database versions not stated): gnomAD exomes below 0.00001.
gnomAD v4.1: 2 of 1,613,736 alleles (0.00012%); highest among the groups gnomAD compares: South Asian, 0.0011%; no homozygotes.

Submissions (3):

Labcorp Genetics (formerly Invitae), Labcorp
Classification: Likely benign for Familial adenomatous polyposis 1. Last evaluated: 2025-01-07. Review status: criteria provided, single submitter. Criteria: Invitae Variant Classification Sherloc (09022015). Collection method: clinical testing. Allele origin: germline.

Myriad Genetics, Inc.
Classification: Benign for Familial adenomatous polyposis 1. Last evaluated: 2024-04-02. Review status: criteria provided, single submitter. Criteria: Myriad Autosomal Dominant, Autosomal Recessive and X-Linked Classification Criteria (2023). Collection method: clinical testing. Allele origin: unknown.
Comment: This variant is considered benign. This variant is a silent/synonymous amino acid change and it is not expected to impact splicing.

Ambry Genetics
Classification: Likely benign for Hereditary cancer-predisposing syndrome. Last evaluated: 2019-09-06. Review status: criteria provided, single submitter. Criteria: Ambry Variant Classification Scheme 2023. Collection method: clinical testing. Allele origin: germline.